The following is an entry in ClinVar:

ClinVar aggregate classification (germline): Uncertain significance (1 of 4 stars; one submission).

Conditions:
Hereditary sensory neuropathy-deafness-dementia syndrome. Also called: HSN IE; Hereditary sensory neuropathy type IE; NEUROPATHY, HEREDITARY SENSORY, WITH HEARING LOSS AND DEMENTIA; Hereditary Sensory and Autonomic Neuropathy Type 1E (HSAN1E). Identifiers: Orphanet 456318, MedGen C3279885, MONDO:0013584, OMIM 614116.

gnomAD v4.1: 4 of 1,614,056 alleles (0.00025%); highest among the groups gnomAD compares: Non-Finnish European, 0.00034%; no homozygotes.

Submission:

Labcorp Genetics (formerly Invitae), Labcorp
Classification: Uncertain significance for Hereditary sensory neuropathy-deafness-dementia syndrome. Last evaluated: 2024-02-13. Review status: criteria provided, single submitter. Criteria: Invitae Variant Classification Sherloc (09022015). Collection method: clinical testing. Allele origin: germline.
Comment: This sequence change replaces aspartic acid, which is acidic and polar, with glutamic acid, which is acidic and polar, at codon 1062 of the DNMT1 protein (p.Asp1062Glu). This variant is not present in population databases (gnomAD no frequency). This variant has not been reported in the literature in individuals affected with DNMT1-related conditions. ClinVar contains an entry for this variant (Variation ID: 2422683). Advanced modeling of protein sequence and biophysical properties (such as structural, functional, and spatial information, amino acid conservation, physicochemical variation, residue mobility, and thermodynamic stability) performed at Invitae indicates that this missense variant is not expected to disrupt DNMT1 protein function with a negative predictive value of 80%. In summary, the available evidence is currently insufficient to determine the role of this variant in disease. Therefore, it has been classified as a Variant of Uncertain Significance.

NM_001130823.3(DNMT1):c.3186C>G (p.Asp1062Glu)

Gene: DNMT1 (DNA methyltransferase 1; minus strand). Cytogenetic location: 19p13.2.
Variant type: single nucleotide variant.
Coding change: c.3186C>G on transcript NM_001130823.3 (MANE Select); coding-DNA position 3186, C replaced by G.
Protein change: p.Asp1062Glu; replaces aspartic acid 1062 with glutamic acid.
Molecular consequence: missense variant.
Genome position (GRCh38, 1-based): chr19:10,142,151, G>C on the plus strand (C>G on the coding strand, the complement: DNMT1 is on the minus strand). VCF-style: chr19-10142151-G-C. GRCh37 (hg19) VCF-style: chr19-10252827-G-C.
Other names: c.3138C>G, p.Asp1046Glu (NM_001318730.2, NM_001379.4); c.2823C>G, p.Asp941Glu (NM_001318731.2); short protein forms D1046E, D1062E, D941E.
Identifiers: ClinVar variation 2422683 (VCV002422683.6), dbSNP rs138736029, ClinGen allele CA403975279.
Genomic context (GRCh38, chr19:10,142,151, plus strand): 5'-CTCCCCATACTCCACGGTGCAGCGGCCCTGCACAGCCTTGAAGTCCACCACGGCCTCCTC[G>C]TCGCTCCAGTAGAGCAGGTTGATGTCTGCGTGGTAGCTCGCTGGAGTGGACTTGTGGGTG-3'
Protein context (NP_001124295.1, residues 1052-1072): HADINLLYWS[Asp1062Glu]EEAVVDFKAV